The following is an entry in ClinVar:

NM_001036.6(RYR3):c.10420G>A (p.Val3474Ile)

Gene: RYR3 (ryanodine receptor 3; plus strand). Cytogenetic location: 15q14.
Variant type: single nucleotide variant.
Coding change: c.10420G>A on transcript NM_001036.6 (MANE Select); coding-DNA position 10420, G replaced by A.
Protein change: p.Val3474Ile; replaces valine 3474 with isoleucine.
Molecular consequence: missense variant.
Genome position (GRCh38, 1-based): chr15:33,813,497, G>A. VCF-style: chr15-33813497-G-A. GRCh37 (hg19) VCF-style: chr15-34105698-G-A.
Other names: c.10405G>A, p.Val3469Ile (NM_001243996.4); short protein forms V3469I, V3474I.
Identifiers: ClinVar variation 848938 (VCV000848938.9), dbSNP rs201678035, ClinGen allele CA7460838.
Genomic context (GRCh38, chr15:33,813,497, plus strand): 5'-TGTGCACCAACCGATGTGATCTCTTCTCAGGTGGAACAGCCTTTGAGGTCCAAGAAGGCC[G>A]TCTGGCACAAACTGTTATCAAAGCAACGGAAACGGGCAGTGGTGGCCTGTTTCAGGATGG-3'
Protein context (NP_001027.3, residues 3464-3484): VEQPLRSKKA[Val3474Ile]WHKLLSKQRK

ClinVar aggregate classification (germline): Uncertain significance (1 of 4 stars; one submission).

Conditions:
Epileptic encephalopathy. Identifiers: MedGen C0543888, HP:0200134.

Allele frequency attached by ClinVar (database versions not stated): ExAC 0.00007; gnomAD exomes 0.00008; TOPMed 0.00015; ESP Exome Variant Server 0.00016; gnomAD 0.00017 and 0.00018; 1000 Genomes Project 0.00020; 1000 Genomes Project 30x 0.00031.
gnomAD v4.1: 68 of 1,613,876 alleles (0.0042%); highest among the groups gnomAD compares: African/African-American, 0.052%; no homozygotes.

Submission:

Labcorp Genetics (formerly Invitae), Labcorp
Classification: Uncertain significance for Epileptic encephalopathy. Last evaluated: 2019-12-15. Review status: criteria provided, single submitter. Criteria: Invitae Variant Classification Sherloc (09022015). Collection method: clinical testing. Allele origin: germline.
Comment: Algorithms developed to predict the effect of missense changes on protein structure and function (SIFT, PolyPhen-2, Align-GVGD) all suggest that this variant is likely to be tolerated, but these predictions have not been confirmed by published functional studies and their clinical significance is uncertain. In summary, the available evidence is currently insufficient to determine the role of this variant in disease. Therefore, it has been classified as a Variant of Uncertain Significance. This variant has not been reported in the literature in individuals with RYR3-related conditions. This sequence change replaces valine with isoleucine at codon 3474 of the RYR3 protein (p.Val3474Ile). The valine residue is highly conserved and there is a small physicochemical difference between valine and isoleucine. This variant is present in population databases (rs201678035, ExAC 0.05%).